The following is an entry in ClinVar:

NM_004364.5(CEBPA):c.841A>G (p.Asn281Asp)

Gene: CEBPA (CCAAT enhancer binding protein alpha; minus strand). Cytogenetic location: 19q13.11.
Variant type: single nucleotide variant.
Coding change: c.841A>G on transcript NM_004364.5 (MANE Select); coding-DNA position 841, A replaced by G.
Protein change: p.Asn281Asp; replaces asparagine 281 with aspartic acid.
Molecular consequence: missense variant.
Genome position (GRCh38, 1-based): chr19:33,301,574, T>C on the plus strand (A>G on the coding strand, the complement: CEBPA is on the minus strand). VCF-style: chr19-33301574-T-C. GRCh37 (hg19) VCF-style: chr19-33792480-T-C.
Other names: c.484A>G, p.Asn162Asp (NM_001285829.2); c.946A>G, p.Asn316Asp (NM_001287424.2); c.799A>G, p.Asn267Asp (NM_001287435.2); short protein forms N162D, N267D, N316D, N281D.
Identifiers: ClinVar variation 2787460 (VCV002787460.4), dbSNP rs2513328889, ClinGen allele CA405274100.

ClinVar aggregate classification (germline): Uncertain significance. Review status: criteria provided, multiple submitters, no conflicts (2 of 4 stars). 2 submissions from 2 submitters: Uncertain significance (2). Last evaluated 2025-12-04.

Conditions:
Acute myeloid leukemia (AML). Also called: Acute myeloid leukemia, adult; AML adult; Acute non-lymphocytic leukemia; Acute granulocytic leukemia; Leukemia, acute myeloid, somatic; Leukemia, acute myelogenous, somatic. Identifiers: Orphanet 519, MedGen C0023467, MeSH D015470, MONDO:0018874, OMIM 601626, HP:0004808. Disease mechanism: Constitutively activated FLT3.
Inborn genetic diseases. Identifiers: MedGen C0950123, MeSH D030342.

Submissions (2):

Ambry Genetics
Classification: Uncertain significance for Inborn genetic diseases. Last evaluated: 2025-12-04. Review status: criteria provided, single submitter. Criteria: Ambry Variant Classification Scheme 2023. Collection method: clinical testing. Allele origin: germline.
Comment: The p.N281D variant (also known as c.841A>G), located in coding exon 1 of the CEBPA gene, results from an A to G substitution at nucleotide position 841. The asparagine at codon 281 is replaced by aspartic acid, an amino acid with highly similar properties. This amino acid position is conserved. In addition, this alteration is predicted to be tolerated by in silico analysis. Based on the available evidence, the clinical significance of this variant remains unclear.

Labcorp Genetics (formerly Invitae), Labcorp
Classification: Uncertain significance for Acute myeloid leukemia. Last evaluated: 2023-03-04. Review status: criteria provided, single submitter. Criteria: Invitae Variant Classification Sherloc (09022015). Collection method: clinical testing. Allele origin: germline.
Comment: This sequence change replaces asparagine, which is neutral and polar, with aspartic acid, which is acidic and polar, at codon 281 of the CEBPA protein (p.Asn281Asp). This variant is not present in population databases (gnomAD no frequency). This variant has not been reported in the literature in individuals affected with CEBPA-related conditions. Advanced modeling of protein sequence and biophysical properties (such as structural, functional, and spatial information, amino acid conservation, physicochemical variation, residue mobility, and thermodynamic stability) performed at Invitae indicates that this missense variant is not expected to disrupt CEBPA protein function. In summary, the available evidence is currently insufficient to determine the role of this variant in disease. Therefore, it has been classified as a Variant of Uncertain Significance.